The following is an entry in ClinVar:

ClinVar aggregate classification (germline): Uncertain significance (1 of 4 stars; one submission).

Allele frequency attached by ClinVar (database versions not stated): gnomAD exomes below 0.00001 and 0.00001; TOPMed 0.00001.
gnomAD v4.1: 18 of 1,613,964 alleles (0.0011%); highest among the groups gnomAD compares: Non-Finnish European, 0.0015%; no homozygotes.

Submission:

Labcorp Genetics (formerly Invitae), Labcorp
Classification: Uncertain significance. Last evaluated: 2021-09-19. Review status: criteria provided, single submitter. Criteria: Invitae Variant Classification Sherloc (09022015). Collection method: clinical testing. Allele origin: germline.
Comment: This sequence change replaces glutamic acid with lysine at codon 508 of the PDE6C protein (p.Glu508Lys). The glutamic acid residue is highly conserved and there is a small physicochemical difference between glutamic acid and lysine. This variant is not present in population databases (ExAC no frequency). This missense change has been observed in individual(s) with clinical features of retinal cone dystrophy (Invitae). Algorithms developed to predict the effect of missense changes on protein structure and function (SIFT, PolyPhen-2, Align-GVGD) all suggest that this variant is likely to be tolerated. In summary, the available evidence is currently insufficient to determine the role of this variant in disease. Therefore, it has been classified as a Variant of Uncertain Significance.

NM_006204.4(PDE6C):c.1522G>A (p.Glu508Lys)

Gene: PDE6C (phosphodiesterase 6C; plus strand). Cytogenetic location: 10q23.33.
Variant type: single nucleotide variant.
Coding change: c.1522G>A on transcript NM_006204.4 (MANE Select); coding-DNA position 1522, G replaced by A.
Protein change: p.Glu508Lys; replaces glutamic acid 508 with lysine.
Molecular consequence: missense variant.
Genome position (GRCh38, 1-based): chr10:93,640,109, G>A. VCF-style: chr10-93640109-G-A. GRCh37 (hg19) VCF-style: chr10-95399866-G-A.
Other names: short protein forms E508K.
Identifiers: ClinVar variation 1524070 (VCV001524070.6), dbSNP rs750031200, ClinGen allele CA211539733.